The following is an entry in ClinVar:

NM_012079.6(DGAT1):c.1311+9C>T

Gene: DGAT1 (diacylglycerol O-acyltransferase 1; minus strand). Cytogenetic location: 8q24.3.
Variant type: single nucleotide variant.
Coding change: c.1311+9C>T on transcript NM_012079.6 (MANE Select); 9 bases into the intron after coding-DNA position 1311, C replaced by T.
Molecular consequence: intron variant.
Genome position (GRCh38, 1-based): chr8:144,316,844, G>A on the plus strand (C>T on the coding strand, the complement: DGAT1 is on the minus strand). VCF-style: chr8-144316844-G-A. GRCh37 (hg19) VCF-style: chr8-145540507-G-A.
Other names: c.1311+9C>T (NM_012079.5).
Identifiers: ClinVar variation 1148020 (VCV001148020.9), dbSNP rs782474286, ClinGen allele CA4936572.

ClinVar aggregate classification (germline): Likely benign. Review status: criteria provided, single submitter (1 of 4 stars). 2 submissions from 2 submitters: Likely benign (1). 1 of the submissions does not count toward it. Last evaluated 2025-01-05.

Conditions:
DGAT1-related disorder. Also called: DGAT1-related condition.

Allele frequency attached by ClinVar (database versions not stated): TOPMed below 0.00001; gnomAD 0.00001; ExAC 0.00002.
gnomAD v4.1: 20 of 1,608,080 alleles (0.0012%); highest among the groups gnomAD compares: Middle Eastern, 0.016%; no homozygotes.

Submissions (2):

Labcorp Genetics (formerly Invitae), Labcorp
Classification: Likely benign. Last evaluated: 2025-01-05. Review status: criteria provided, single submitter. Criteria: Invitae Variant Classification Sherloc (09022015). Collection method: clinical testing. Allele origin: germline.

PreventionGenetics, part of Exact Sciences
Classification: Likely benign for DGAT1-related condition. Last evaluated: 2022-11-24. Review status: no assertion criteria provided. Collection method: clinical testing. Allele origin: germline. Not counted in ClinVar's aggregate classification.
Comment: This variant is classified as likely benign based on ACMG/AMP sequence variant interpretation guidelines (Richards et al. 2015 PMID: 25741868, with internal and published modifications).